The following is an entry in ClinVar:

NM_025243.4(SLC19A3):c.979+279_979+282del

Gene: SLC19A3 (solute carrier family 19 member 3; minus strand). Cytogenetic location: 2q36.3.
Variant type: Microsatellite.
Coding change: c.979+279_979+282del on transcript NM_025243.4 (MANE Select); bases 279 to 282 of the intron after coding-DNA position 979, 4 bases deleted (TAGG; older notation c.979+279_979+282delTAGG).
Molecular consequence: intron variant.
Genome position (GRCh38, 1-based): chr2:227,698,454-227,698,457, CCTA deleted on the plus strand (TAGG on the coding strand, the reverse complement: SLC19A3 is on the minus strand); deleting any 4 consecutive bases within chr2:227,698,454-227,698,461 gives the same sequence; the c. name uses the placement nearest the transcript's 3' end. VCF-style (leftmost placement, unchanged base first): chr2-227698453-GCCTA-G. GRCh37 (hg19) VCF-style: chr2-228563169-GCCTA-G.
Other names: c.967+279_967+282del (NM_001371413.1, NM_001371414.1); c.979+279_979+282del (NM_001371411.1, NM_001371412.1).
Identifiers: ClinVar variation 673771 (VCV000673771.1), dbSNP rs113074927, ClinGen allele CA66659882.

ClinVar aggregate classification (germline): Benign (1 of 4 stars; one submission).

Submission:

GeneDx
Classification: Benign. Last evaluated: 2018-06-16. Review status: criteria provided, single submitter. Criteria: GeneDx Variant Classification (06012015). Collection method: clinical testing. Allele origin: germline. Affected: yes.
Comment: This variant is considered likely benign or benign based on one or more of the following criteria: it is a conservative change, it occurs at a poorly conserved position in the protein, it is predicted to be benign by multiple in silico algorithms, and/or has population frequency not consistent with disease.